The following is an entry in ClinVar:

NM_015202.5(KATNIP):c.1027G>A (p.Val343Met)

Gene: KATNIP (katanin interacting protein; plus strand). Cytogenetic location: 16p12.1.
Variant type: single nucleotide variant.
Coding change: c.1027G>A on transcript NM_015202.5 (MANE Select); coding-DNA position 1027, G replaced by A.
Protein change: p.Val343Met; replaces valine 343 with methionine.
Molecular consequence: missense variant.
Genome position (GRCh38, 1-based): chr16:27,698,414, G>A. VCF-style: chr16-27698414-G-A. GRCh37 (hg19) VCF-style: chr16-27709735-G-A.
Other names: short protein forms V343M.
Identifiers: ClinVar variation 2056078 (VCV002056078.4), dbSNP rs749492525, ClinGen allele CA7977548.

ClinVar aggregate classification (germline): Uncertain significance (1 of 4 stars; one submission).

Allele frequency attached by ClinVar (database versions not stated): gnomAD exomes 0.00001.
gnomAD v4.1: 12 of 1,613,714 alleles (0.00074%); highest among the groups gnomAD compares: Admixed American, 0.0017%; no homozygotes.

Submission:

Labcorp Genetics (formerly Invitae), Labcorp
Classification: Uncertain significance. Last evaluated: 2024-07-22. Review status: criteria provided, single submitter. Criteria: Invitae Variant Classification Sherloc (09022015). Collection method: clinical testing. Allele origin: germline.
Comment: This sequence change replaces valine, which is neutral and non-polar, with methionine, which is neutral and non-polar, at codon 343 of the KIAA0556 protein (p.Val343Met). This variant is present in population databases (rs749492525, gnomAD 0.009%). This variant has not been reported in the literature in individuals affected with KIAA0556-related conditions. ClinVar contains an entry for this variant (Variation ID: 2056078). An algorithm developed to predict the effect of missense changes on protein structure and function (PolyPhen-2) suggests that this variant is likely to be disruptive. In summary, the available evidence is currently insufficient to determine the role of this variant in disease. Therefore, it has been classified as a Variant of Uncertain Significance.